The following is an entry in ClinVar:

NM_004183.4(BEST1):c.1454C>T (p.Ala485Val)

Gene: BEST1 (bestrophin 1; plus strand). Cytogenetic location: 11q12.3.
Variant type: single nucleotide variant.
Coding change: c.1454C>T on transcript NM_004183.4 (MANE Select); coding-DNA position 1454, C replaced by T.
Protein change: p.Ala485Val; replaces alanine 485 with valine.
Molecular consequence: missense variant. On other transcripts: non-coding transcript variant (1).
Genome position (GRCh38, 1-based): chr11:61,962,608, C>T. VCF-style: chr11-61962608-C-T. GRCh37 (hg19) VCF-style: chr11-61730080-C-T.
Other names: c.1274C>T, p.Ala425Val (NM_001139443.3, NM_001300787.2); c.1193C>T, p.Ala398Val (NM_001300786.2); c.1136C>T, p.Ala379Val (NM_001363591.3); c.*349C>T (NM_001363592.2); c.482C>T, p.Ala161Val (NM_001363593.3); short protein forms A379V, A485V, A161V, A398V, A425V.
Identifiers: ClinVar variation 1358473 (VCV001358473.10), dbSNP rs867577834, ClinGen allele CA222942225.

ClinVar aggregate classification (germline): Conflicting classifications of pathogenicity. Review status: criteria provided, conflicting classifications (1 of 4 stars). 3 submissions from 3 submitters: Uncertain significance (2); Likely benign (1). Last evaluated 2024-11-06.

Conditions:
Inborn genetic diseases. Identifiers: MedGen C0950123, MeSH D030342.

Allele frequency attached by ClinVar (database versions not stated): gnomAD exomes below 0.00001; gnomAD 0.00001; TOPMed 0.00003.
gnomAD v4.1: 6 of 1,614,066 alleles (0.00037%); highest among the groups gnomAD compares: African/African-American, 0.004%; no homozygotes.

Submissions (3):

Labcorp Genetics (formerly Invitae), Labcorp
Classification: Uncertain significance. Last evaluated: 2024-11-06. Review status: criteria provided, single submitter. Criteria: Invitae Variant Classification Sherloc (09022015). Collection method: clinical testing. Allele origin: germline.
Comment: This sequence change replaces alanine, which is neutral and non-polar, with valine, which is neutral and non-polar, at codon 485 of the BEST1 protein (p.Ala485Val). This variant is present in population databases (no rsID available, gnomAD 0.008%). This variant has not been reported in the literature in individuals affected with BEST1-related conditions. ClinVar contains an entry for this variant (Variation ID: 1358473). An algorithm developed to predict the effect of missense changes on protein structure and function outputs the following: PolyPhen-2: "Benign". The valine amino acid residue is found in multiple mammalian species, which suggests that this missense change does not adversely affect protein function. In summary, the available evidence is currently insufficient to determine the role of this variant in disease. Therefore, it has been classified as a Variant of Uncertain Significance.

Blueprint Genetics
Classification: Uncertain significance. Last evaluated: 2024-08-15. Review status: criteria provided, single submitter. Criteria: ACMG Guidelines, 2015. Collection method: clinical testing. Allele origin: germline.

Ambry Genetics
Classification: Likely benign for Inborn genetic diseases. Last evaluated: 2022-08-01. Review status: criteria provided, single submitter. Criteria: Ambry Variant Classification Scheme 2023. Collection method: clinical testing. Allele origin: germline.